The following is an entry in ClinVar:

NM_001365480.1(CCDC88A):c.2699A>G (p.Asp900Gly)

Gene: CCDC88A (coiled-coil domain containing 88A; minus strand). Cytogenetic location: 2p16.1.
Variant type: single nucleotide variant.
Coding change: c.2699A>G on transcript NM_001365480.1 (MANE Select); coding-DNA position 2699, A replaced by G.
Protein change: p.Asp900Gly; replaces aspartic acid 900 with glycine.
Molecular consequence: missense variant.
Genome position (GRCh38, 1-based): chr2:55,334,122, T>C on the plus strand (A>G on the coding strand, the complement: CCDC88A is on the minus strand). VCF-style: chr2-55334122-T-C. GRCh37 (hg19) VCF-style: chr2-55561258-T-C.
Other names: c.2699A>G, p.Asp900Gly (NM_001135597.2, NM_001254943.2, NM_018084.5); short protein forms D900G.
Identifiers: ClinVar variation 1424169 (VCV001424169.4), dbSNP rs1685232367, ClinGen allele CA346897402.

ClinVar aggregate classification (germline): Uncertain significance (1 of 4 stars; one submission).

Allele frequency attached by ClinVar (database versions not stated): TOPMed below 0.00001.

Submission:

Labcorp Genetics (formerly Invitae), Labcorp
Classification: Uncertain significance. Last evaluated: 2022-08-10. Review status: criteria provided, single submitter. Criteria: Invitae Variant Classification Sherloc (09022015). Collection method: clinical testing. Allele origin: germline.
Comment: In summary, the available evidence is currently insufficient to determine the role of this variant in disease. Therefore, it has been classified as a Variant of Uncertain Significance. Algorithms developed to predict the effect of missense changes on protein structure and function are either unavailable or do not agree on the potential impact of this missense change (SIFT: "Deleterious"; PolyPhen-2: "Probably Damaging"; Align-GVGD: "Class C0"). ClinVar contains an entry for this variant (Variation ID: 1424169). This variant has not been reported in the literature in individuals affected with CCDC88A-related conditions. This variant is not present in population databases (gnomAD no frequency). This sequence change replaces aspartic acid, which is acidic and polar, with glycine, which is neutral and non-polar, at codon 900 of the CCDC88A protein (p.Asp900Gly).